The following is an entry in ClinVar:

NM_015164.4(PLEKHM2):c.1798G>A (p.Val600Met)

Gene: PLEKHM2 (pleckstrin homology and RUN domain containing M2; plus strand). Cytogenetic location: 1p36.21.
Variant type: single nucleotide variant.
Coding change: c.1798G>A on transcript NM_015164.4 (MANE Select); coding-DNA position 1798, G replaced by A.
Protein change: p.Val600Met; replaces valine 600 with methionine.
Molecular consequence: missense variant.
Genome position (GRCh38, 1-based): chr1:15,728,116, G>A. VCF-style: chr1-15728116-G-A. GRCh37 (hg19) VCF-style: chr1-16054611-G-A.
Other names: c.1738G>A, p.Val580Met (NM_001410755.1); short protein forms V580M, V600M.
Identifiers: ClinVar variation 2918739 (VCV002918739.3), dbSNP rs1281423363, ClinGen allele CA338589187.

ClinVar aggregate classification (germline): Uncertain significance (1 of 4 stars; one submission).

Allele frequency attached by ClinVar (database versions not stated): gnomAD exomes below 0.00001.
gnomAD v4.1: 2 of 1,611,516 alleles (0.00012%); highest among the groups gnomAD compares: Admixed American, 0.0017%; no homozygotes.

Submission:

Labcorp Genetics (formerly Invitae), Labcorp
Classification: Uncertain significance. Last evaluated: 2023-12-29. Review status: criteria provided, single submitter. Criteria: Invitae Variant Classification Sherloc (09022015). Collection method: clinical testing. Allele origin: germline.
Comment: This sequence change replaces valine, which is neutral and non-polar, with methionine, which is neutral and non-polar, at codon 600 of the PLEKHM2 protein (p.Val600Met). This variant is not present in population databases (gnomAD no frequency). This variant has not been reported in the literature in individuals affected with PLEKHM2-related conditions. An algorithm developed to predict the effect of missense changes on protein structure and function (PolyPhen-2) suggests that this variant is likely to be disruptive. In summary, the available evidence is currently insufficient to determine the role of this variant in disease. Therefore, it has been classified as a Variant of Uncertain Significance.